The following is an entry in ClinVar:

NM_001048174.2(MUTYH):c.1522C>A (p.His508Asn)

Gene: MUTYH (mutY DNA glycosylase; minus strand). Cytogenetic location: 1p34.1.
Variant type: single nucleotide variant.
Coding change: c.1522C>A on transcript NM_001048174.2 (MANE Select); coding-DNA position 1522, C replaced by A.
Protein change: p.His508Asn; replaces histidine 508 with asparagine.
Molecular consequence: missense variant. On other transcripts: non-coding transcript variant (7).
Genome position (GRCh38, 1-based): chr1:45,329,350, G>T on the plus strand (C>A on the coding strand, the complement: MUTYH is on the minus strand). VCF-style: chr1-45329350-G-T. GRCh37 (hg19) VCF-style: chr1-45795022-G-T.
Other names: c.1525C>A, p.His509Asn (NM_001407086.1, NM_001048172.2, NM_001407071.1 and 1 more transcripts); c.1543C>A, p.His515Asn (NM_001407087.1); c.1522C>A, p.His508Asn (NM_001407088.1, NM_001407089.1, NM_001407081.1 and 6 more transcripts); c.1246C>A, p.His416Asn (NM_001407091.1, NM_001293192.2, NM_001293196.2); c.1597C>A, p.His533Asn (NM_012222.3); c.1177C>A, p.His393Asn (NM_001407082.1, NM_001350650.2, NM_001350651.2); c.1564C>A, p.His522Asn (NM_001407083.1, NM_001407085.1); c.1606C>A, p.His536Asn (NM_001128425.2); and 5 more; short protein forms H495N, H515N, H519N, H533N, H494N, H509N, H523N, H508N.
Identifiers: ClinVar variation 4113429 (VCV004113429.1).

ClinVar aggregate classification (germline): Uncertain significance (1 of 4 stars; one submission).

Conditions:
Hereditary cancer-predisposing syndrome. Also called: Tumor predisposition; Neoplastic Syndromes, Hereditary; Hereditary neoplastic syndrome; Hereditary Cancer Syndrome. Identifiers: Orphanet 140162, MedGen C0027672, MeSH D009386, MONDO:0015356.

Submission:

Ambry Genetics
Classification: Uncertain significance for Hereditary cancer-predisposing syndrome. Last evaluated: 2025-08-27. Review status: criteria provided, single submitter. Criteria: Ambry Variant Classification Scheme 2023. Collection method: clinical testing. Allele origin: germline.
Comment: The p.H536N variant (also known as c.1606C>A), located in coding exon 16 of the MUTYH gene, results from a C to A substitution at nucleotide position 1606. The histidine at codon 536 is replaced by asparagine, an amino acid with similar properties. This amino acid position is conserved. In addition, this alteration is predicted to be tolerated by in silico analysis. Based on the available evidence, the clinical significance of this variant remains unclear.